The following is an entry in ClinVar:

NM_020921.4(NIN):c.1510C>A (p.Leu504Ile)

Gene: NIN (ninein; minus strand). Cytogenetic location: 14q22.1.
Variant type: single nucleotide variant.
Coding change: c.1510C>A on transcript NM_020921.4 (MANE Select); coding-DNA position 1510, C replaced by A.
Protein change: p.Leu504Ile; replaces leucine 504 with isoleucine.
Molecular consequence: missense variant.
Genome position (GRCh38, 1-based): chr14:50,766,815, G>T on the plus strand (C>A on the coding strand, the complement: NIN is on the minus strand). VCF-style: chr14-50766815-G-T. GRCh37 (hg19) VCF-style: chr14-51233533-G-T.
Other names: c.1510C>A, p.Leu504Ile (NM_016350.5, NM_182944.3, NM_182946.2); short protein forms L504I.
Identifiers: ClinVar variation 2802391 (VCV002802391.3), dbSNP rs1305924024, ClinGen allele CA389664945.
Genomic context (GRCh38, chr14:50,766,815, plus strand): 5'-GGAAATGAGATTTGAACAGGTTTACCTTTTCTGCTAACACATTTTCCAAATTTCTCTGAA[G>T]TTTGTTTGTCAGATTCTCATATTCTGCCAACTTCTCTGCATTTTCTAGAAGCTCATTTTC-3'
Protein context (NP_065972.4, residues 494-514): LAEYENLTNK[Leu504Ile]QRNLENVLAE

ClinVar aggregate classification (germline): Uncertain significance (1 of 4 stars; one submission).

Submission:

Labcorp Genetics (formerly Invitae), Labcorp
Classification: Uncertain significance. Last evaluated: 2024-01-25. Review status: criteria provided, single submitter. Criteria: Invitae Variant Classification Sherloc (09022015). Collection method: clinical testing. Allele origin: germline.
Comment: This sequence change replaces leucine, which is neutral and non-polar, with isoleucine, which is neutral and non-polar, at codon 504 of the NIN protein (p.Leu504Ile). This variant is not present in population databases (gnomAD no frequency). This variant has not been reported in the literature in individuals affected with NIN-related conditions. An algorithm developed to predict the effect of missense changes on protein structure and function (PolyPhen-2) suggests that this variant is likely to be disruptive. In summary, the available evidence is currently insufficient to determine the role of this variant in disease. Therefore, it has been classified as a Variant of Uncertain Significance.